The following is an entry in ClinVar:

NM_000182.5(HADHA):c.976-1G>T

Gene: HADHA (hydroxyacyl-CoA dehydrogenase trifunctional multienzyme complex subunit alpha; minus strand). Cytogenetic location: 2p23.3.
Variant type: single nucleotide variant.
Coding change: c.976-1G>T on transcript NM_000182.5 (MANE Select); the canonical splice acceptor site of the intron before coding-DNA position 976, G replaced by T.
Molecular consequence: splice acceptor variant.
Genome position (GRCh38, 1-based): chr2:26,209,890, C>A on the plus strand (G>T on the coding strand, the complement: HADHA is on the minus strand). VCF-style: chr2-26209890-C-A. GRCh37 (hg19) VCF-style: chr2-26432759-C-A.
Identifiers: ClinVar variation 1482399 (VCV001482399.8), dbSNP rs2147766716, ClinGen allele CA346091024.
Genomic context (GRCh38, chr2:26,209,890, plus strand): 5'-ACCATGGTAGAGTCCCATCAAGGCCTTTGATTCTTTGGTCATTACAAGCTCTCCAAATTT[C>A]TGAAAAGTAAAGGGGAATGAGAAAAGGTAGAACTTCACAGTCTAGGTTATATGGATTCCT-3'

ClinVar aggregate classification (germline): Likely pathogenic (1 of 4 stars; one submission).

Conditions:
Mitochondrial trifunctional protein deficiency. Identifiers: Orphanet 746, MedGen C1969443, MONDO:0012172.
Long chain 3-hydroxyacyl-CoA dehydrogenase deficiency. Also called: Deficiency of long-chain 3-hydroxyacyl-coenzyme A dehydrogenase; LCHAD Deficiency. Identifiers: Orphanet 5, MedGen C3711645, MONDO:0012173, OMIM 609016.

Submission:

Labcorp Genetics (formerly Invitae), Labcorp
Classification: Likely pathogenic for Mitochondrial trifunctional protein deficiency; Long chain 3-hydroxyacyl-CoA dehydrogenase deficiency. Last evaluated: 2022-11-01. Review status: criteria provided, single submitter. Criteria: Invitae Variant Classification Sherloc (09022015). Collection method: clinical testing. Allele origin: germline.
Comment: Algorithms developed to predict the effect of sequence changes on RNA splicing suggest that this variant may disrupt the consensus splice site. ClinVar contains an entry for this variant (Variation ID: 1482399). This variant has not been reported in the literature in individuals affected with HADHA-related conditions. This variant is not present in population databases (gnomAD no frequency). This sequence change affects an acceptor splice site in intron 10 of the HADHA gene. It is expected to disrupt RNA splicing. Variants that disrupt the donor or acceptor splice site typically lead to a loss of protein function (PMID: 16199547), and loss-of-function variants in HADHA are known to be pathogenic (PMID: 7738175, 21103935, 21549624, 22459206). In summary, the currently available evidence indicates that the variant is pathogenic, but additional data are needed to prove that conclusively. Therefore, this variant has been classified as Likely Pathogenic.

Literature cited by the submitters: PubMed 16199547; PubMed 7738175; PubMed 21103935; PubMed 21549624; PubMed 22459206.